The following is an entry in ClinVar:

ClinVar aggregate classification (germline): Likely benign (1 of 4 stars; one submission).

Conditions:
FLNB-Related Spectrum Disorders.

Allele frequency attached by ClinVar (database versions not stated): gnomAD 0.00019; TOPMed 0.00022; 1000 Genomes Project 0.00060; 1000 Genomes Project 30x 0.00078.

Submission:

Illumina Laboratory Services, Illumina
Classification: Likely benign for FLNB-Related Spectrum Disorders. Last evaluated: 2018-01-13. Review status: criteria provided, single submitter. Criteria: ICSL Variant Classification Criteria 13 December 2019. Collection method: clinical testing. Allele origin: germline.
Comment: This variant was observed in the ICSL laboratory as part of a predisposition screen in an ostensibly healthy population. It had not been previously curated by ICSL or reported in the Human Gene Mutation Database (HGMD: prior to June 1st, 2018), and was therefore a candidate for classification through an automated scoring system. Utilizing variant allele frequency, disease prevalence and penetrance estimates, and inheritance mode, an automated score was calculated to assess if this variant is too frequent to cause the disease. Based on the score and internal cut-off values, a variant classified as likely benign is not then subjected to further curation. The score for this variant resulted in a classification of likely benign for this disease.

NM_001457.4(FLNB):c.*1450G>T

Gene: FLNB (filamin B; plus strand). Cytogenetic location: 3p14.3.
Variant type: single nucleotide variant.
Coding change: c.*1450G>T on transcript NM_001457.4 (MANE Select); 1450 bases downstream of the stop codon, G replaced by T.
Molecular consequence: 3 prime UTR variant.
Genome position (GRCh38, 1-based): chr3:58,172,212, G>T. VCF-style: chr3-58172212-G-T. GRCh37 (hg19) VCF-style: chr3-58157939-G-T.
Other names: c.*1450G>T (NM_001164317.2, NM_001164318.2, NM_001164319.2).
Identifiers: ClinVar variation 346394 (VCV000346394.5), dbSNP rs577715021, ClinGen allele CA10617233.
Genomic context (GRCh38, chr3:58,172,212, plus strand): 5'-CACGGGTGTTGTAAGCTGGGACACGGAAGCCAAACTGGAATCAAACGCCGACTGTAAATT[G>T]TATCTTATAACTTATTAAATAAAACATTTGCTCCGTAAAGTTGCCTTGGTGTTCTTGGAT-3'